The following is an entry in ClinVar:

NM_005732.4(RAD50):c.*8C>T

Genes: RAD50 (RAD50 double strand break repair protein; plus strand), TH2LCRR (T helper type 2 locus control region associated RNA; minus strand). Cytogenetic location: 5q31.1.
Variant type: single nucleotide variant.
Coding change: c.*8C>T on transcript NM_005732.4 (MANE Select); 8 bases downstream of the stop codon, C replaced by T.
Molecular consequence: 3 prime UTR variant.
Genome position (GRCh38, 1-based): chr5:132,642,372, C>T. VCF-style: chr5-132642372-C-T. GRCh37 (hg19) VCF-style: chr5-131978064-C-T.
Identifiers: ClinVar variation 1172847 (VCV001172847.1), dbSNP rs374990431, ClinGen allele CA3405696.

ClinVar aggregate classification (germline): Uncertain significance (1 of 4 stars; one submission).

Allele frequency attached by ClinVar (database versions not stated): gnomAD exomes below 0.00001; ExAC 0.00001; gnomAD 0.00003; TOPMed 0.00003; ESP Exome Variant Server 0.00015.

Submission:

Women's Health and Genetics/Laboratory Corporation of America, LabCorp
Classification: Uncertain significance. Last evaluated: 2021-05-24. Review status: criteria provided, single submitter. Criteria: LabCorp Variant Classification Summary - May 2015. Collection method: clinical testing. Allele origin: germline.
Comment: Variant summary: RAD50 c.*8C>T alters a non-conserved nucleotide located in the untranslated mRNA region downstream of the termination codon. The variant allele was found at a frequency of 4e-06 in 250842 control chromosomes. The available data on variant occurrences in the general population are insufficient to allow any conclusion about variant significance. To our knowledge, no occurrence of c.*8C>T in individuals affected with Hereditary Breast And Ovarian Cancer Syndrome and no experimental evidence demonstrating its impact on protein function have been reported. No clinical diagnostic laboratories have submitted clinical-significance assessments for this variant to ClinVar after 2014. Based on the evidence outlined above, the variant was classified as uncertain significance.